The following is an entry in ClinVar:

NM_006096.4(NDRG1):c.285C>T (p.Asp95=)

Gene: NDRG1 (N-myc downstream regulated 1; minus strand). Cytogenetic location: 8q24.22.
Variant type: single nucleotide variant.
Coding change: c.285C>T on transcript NM_006096.4 (MANE Select); coding-DNA position 285, C replaced by T.
Protein change: p.Asp95=; no amino-acid change (aspartic acid 95 retained).
Molecular consequence: synonymous variant.
Genome position (GRCh38, 1-based): chr8:133,262,088, G>A on the plus strand (C>T on the coding strand, the complement: NDRG1 is on the minus strand). VCF-style: chr8-133262088-G-A. GRCh37 (hg19) VCF-style: chr8-134274331-G-A.
Other names: c.285C>T, p.Asp95= (NM_001135242.2, NM_001374844.1, NM_001374845.1 and 1 more transcripts); c.87C>T, p.Asp29= (NM_001258432.2, NM_001374847.1); c.42C>T, p.Asp14= (NM_001258433.2).
Identifiers: ClinVar variation 699033 (VCV000699033.13), dbSNP rs777855380, ClinGen allele CA4886834.

ClinVar aggregate classification (germline): Likely benign. Review status: criteria provided, single submitter (1 of 4 stars). 3 submissions from 3 submitters: Likely benign (1). 2 of the submissions do not count toward it. Last evaluated 2026-01-19.

Conditions:
NDRG1-related disorder. Also called: NDRG1-related condition.
Charcot-Marie-Tooth disease type 4. Also called: Charcot-Marie-Tooth, Type 4; Charcot-Marie-Tooth disease, type IV. Identifiers: Orphanet 64749, MedGen C4082197, MONDO:0018995.

Allele frequency attached by ClinVar (database versions not stated): gnomAD exomes 0.00003 and 0.00008; ExAC 0.00009; TOPMed 0.00009; gnomAD 0.00010 and 0.00011.
gnomAD v4.1: 63 of 1,614,010 alleles (0.0039%); highest among the groups gnomAD compares: African/African-American, 0.033%; no homozygotes.

Submissions (3):

Labcorp Genetics (formerly Invitae), Labcorp
Classification: Likely benign for Charcot-Marie-Tooth disease type 4. Last evaluated: 2026-01-19. Review status: criteria provided, single submitter. Criteria: Invitae Variant Classification Sherloc (09022015). Collection method: clinical testing. Allele origin: germline.

PreventionGenetics, part of Exact Sciences
Classification: Likely benign for NDRG1-related condition. Last evaluated: 2022-07-21. Review status: no assertion criteria provided. Collection method: clinical testing. Allele origin: germline. Not counted in ClinVar's aggregate classification.
Comment: This variant is classified as likely benign based on ACMG/AMP sequence variant interpretation guidelines (Richards et al. 2015 PMID: 25741868, with internal and published modifications).

Natera, Inc.
Classification: Likely benign for Charcot-Marie-Tooth disease type 4. Last evaluated: 2020-09-16. Review status: no assertion criteria provided. Collection method: clinical testing. Allele origin: germline. Not counted in ClinVar's aggregate classification.